The following is an entry in ClinVar:

ClinVar aggregate classification (germline): Uncertain significance (1 of 4 stars; one submission).

gnomAD v4.1: 1 of 1,611,390 alleles (0.000062%); highest among the groups gnomAD compares: African/African-American, 0.0013%; no homozygotes.

Submission:

GeneDx
Classification: Uncertain significance. Last evaluated: 2025-09-26. Review status: criteria provided, single submitter. Criteria: GeneDx Variant Classification Process June 2021. Collection method: clinical testing. Allele origin: germline. Affected: yes.
Comment: Not observed at significant frequency in large population cohorts (gnomAD); Missense variants in this gene are a common cause of disease and they are underrepresented in the general population; In silico analysis supports that this missense variant has a deleterious effect on protein structure/function; Has not been previously published as pathogenic or benign to our knowledge; This variant is associated with the following publications: (PMID: 29493581)

NM_002834.5(PTPN11):c.867G>C (p.Arg289Ser)

Gene: PTPN11 (protein tyrosine phosphatase non-receptor type 11; plus strand). Cytogenetic location: 12q24.13.
Variant type: single nucleotide variant.
Coding change: c.867G>C on transcript NM_002834.5 (MANE Select); coding-DNA position 867, G replaced by C.
Protein change: p.Arg289Ser; replaces arginine 289 with serine.
Molecular consequence: missense variant.
Genome position (GRCh38, 1-based): chr12:112,477,664, G>C. VCF-style: chr12-112477664-G-C. GRCh37 (hg19) VCF-style: chr12-112915468-G-C.
Other names: c.867G>C, p.Arg289Ser (NM_001330437.2, NM_080601.3); c.864G>C, p.Arg288Ser (NM_001374625.1); short protein forms R288S, R289S.
Identifiers: ClinVar variation 2571898 (VCV002571898.2), dbSNP rs1566181003, ClinGen allele CA386790485.